The following is an entry in ClinVar:

ClinVar aggregate classification (germline): Conflicting classifications of pathogenicity. Review status: criteria provided, conflicting classifications (1 of 4 stars). 7 submissions from 7 submitters: Uncertain significance (1); Likely benign (6). Last evaluated 2026-06-03.

Conditions:
MYL2-related disorder. Also called: MYL2-related disorders; MYL2-related condition; MYL2-related disease.
Cardiomyopathy (CMYO). Also called: Cardiomyopathies. Identifiers: Orphanet 167848, MedGen C0878544, MONDO:0004994, HP:0001638. Inheritance: Various modes of inheritance.
Hypertrophic cardiomyopathy 10. Also called: CARDIOMYOPATHY, HYPERTROPHIC, MID-LEFT VENTRICULAR CHAMBER TYPE, 2; MYL2-Related Familial Hypertrophic Cardiomyopathy. Identifiers: MedGen C1834460, MONDO:0012112, OMIM 608758.

Allele frequency attached by ClinVar (database versions not stated): gnomAD 0.00009 and 0.00010; TOPMed 0.00009; ESP Exome Variant Server 0.00015; ExAC 0.00002.

Submissions (7):

PreventionGenetics, part of Exact Sciences
Classification: Likely benign for MYL2-related condition. Last evaluated: 2026-06-03. Review status: criteria provided, single submitter. Criteria: ACMG Guidelines, 2015. Collection method: clinical testing. Allele origin: germline.
Comment: This variant is classified as likely benign based on ACMG/AMP sequence variant interpretation guidelines (Richards et al. 2015 PMID: 25741868, with internal and published modifications).

Women's Health and Genetics/Laboratory Corporation of America, LabCorp
Classification: Likely benign. Last evaluated: 2026-04-14. Review status: criteria provided, single submitter. Criteria: LabCorp Variant Classification Summary - May 2015. Collection method: clinical testing. Allele origin: germline.
Comment: Variant summary: MYL2 c.274+9G>A alters a non-conserved nucleotide located at a position not widely known to affect splicing. Several computational tools predict a significant impact on normal splicing: Two predict the variant creates a cryptic 5' donor site. However, these predictions have yet to be confirmed by functional studies. The variant allele was found at a frequency of 4.4e-05 in 251454 control chromosomes. The observed variant frequency exceeds the estimated maximal expected allele frequency for disease-causing variants in MYL2, strongly suggesting that the variant is benign. To our knowledge, no occurrence of c.274+9G>A in individuals affected with MYL2-related conditions and no experimental evidence demonstrating its impact on protein function have been reported. ClinVar contains an entry for this variant (Variation ID: 43464). Based on the evidence outlined above, the variant was classified as likely benign.

Labcorp Genetics (formerly Invitae), Labcorp
Classification: Likely benign for Hypertrophic cardiomyopathy 10. Last evaluated: 2025-12-01. Review status: criteria provided, single submitter. Criteria: Invitae Variant Classification Sherloc (09022015). Collection method: clinical testing. Allele origin: germline.

ARUP Laboratories, Molecular Genetics and Genomics, ARUP Laboratories
Classification: Likely benign. Last evaluated: 2025-03-03. Review status: criteria provided, single submitter. Criteria: ARUP Molecular Germline Variant Investigation Process 2024. Collection method: clinical testing. Allele origin: germline.

Blueprint Genetics
Classification: Likely benign. Last evaluated: 2024-10-01. Review status: criteria provided, single submitter. Criteria: ACMG Guidelines, 2015. Collection method: clinical testing. Allele origin: germline.

CHEO Genetics Diagnostic Laboratory, Children's Hospital of Eastern Ontario
Classification: Uncertain significance for Cardiomyopathy. Last evaluated: 2021-10-01. Review status: criteria provided, single submitter. Criteria: ACMG Guidelines, 2015. Collection method: clinical testing. Allele origin: germline.

Laboratory for Molecular Medicine, Mass General Brigham Personalized Medicine
Classification: Likely benign. Last evaluated: 2008-08-18. Review status: criteria provided, single submitter. Criteria: LMM Criteria. Collection method: clinical testing. Allele origin: germline. Observed: 2 variant alleles.

NM_000432.4(MYL2):c.274+9G>A

Gene: MYL2 (myosin light chain 2; minus strand). Cytogenetic location: 12q24.11.
Variant type: single nucleotide variant.
Coding change: c.274+9G>A on transcript NM_000432.4 (MANE Select); 9 bases into the intron after coding-DNA position 274, G replaced by A.
Molecular consequence: intron variant.
Genome position (GRCh38, 1-based): chr12:110,914,177, C>T on the plus strand (G>A on the coding strand, the complement: MYL2 is on the minus strand). VCF-style: chr12-110914177-C-T. GRCh37 (hg19) VCF-style: chr12-111351981-C-T.
Identifiers: ClinVar variation 43464 (VCV000043464.25), dbSNP rs371405579, ClinGen allele CA010014.
Genomic context (GRCh38, chr12:110,914,177, plus strand): 5'-CTTCTGCCAGCCCCCCCGAAGAAACATAGACACATACACACAGACACACACACACACACA[C>T]GACCTTACCCTTAAGTTTCTCCCCAAACATTGTGAGGAACACAGTAAAGTTAATTGGACC-3'